The following is an entry in ClinVar:

NM_080916.3(DGUOK):c.746del (p.Val249fs)

Genes: DGUOK (deoxyguanosine kinase; plus strand), DGUOK-AS1 (DGUOK antisense RNA 1; minus strand). Cytogenetic location: 2p13.1.
Variant type: Deletion.
Coding change: c.746del on transcript NM_080916.3 (MANE Select); coding-DNA position 746, one base deleted (T; older notation c.746delT).
Protein change: p.Val249fs; shifts the reading frame from valine 249.
Molecular consequence: frameshift variant. On other transcripts: non-coding transcript variant (8).
Genome position (GRCh38, 1-based): chr2:73,958,184, T deleted. VCF-style (leftmost placement, unchanged base first): chr2-73958183-GT-G. GRCh37 (hg19) VCF-style: chr2-74185310-GT-G.
Other names: c.464del, p.Val155fs (NM_001318859.2); c.455del, p.Val152fs (NM_001318860.2, NM_001318861.2); c.437del, p.Val146fs (NM_001318862.2, NM_001318863.2); c.482del, p.Val161fs (NM_080918.3); short protein forms V146fs, V152fs, V155fs, V161fs, V249fs.
Identifiers: ClinVar variation 3616078 (VCV003616078.2).

ClinVar aggregate classification (germline): Pathogenic (1 of 4 stars; one submission).

Submission:

Labcorp Genetics (formerly Invitae), Labcorp
Classification: Pathogenic. Last evaluated: 2024-09-09. Review status: criteria provided, single submitter. Criteria: Invitae Variant Classification Sherloc (09022015). Collection method: clinical testing. Allele origin: germline.
Comment: This sequence change creates a premature translational stop signal (p.Val249Glyfs*12) in the DGUOK gene. While this is not anticipated to result in nonsense mediated decay, it is expected to disrupt the last 29 amino acid(s) of the DGUOK protein. This variant is present in population databases (no rsID available, gnomAD 0.002%). This variant has not been reported in the literature in individuals affected with DGUOK-related conditions. This variant disrupts a region of the DGUOK protein in which other variant(s) (p.Leu266Arg) have been determined to be pathogenic (PMID: 16263314, 17073823). This suggests that this is a clinically significant region of the protein, and that variants that disrupt it are likely to be disease-causing. For these reasons, this variant has been classified as Pathogenic.

Literature cited by the submitters: PubMed 16263314; PubMed 17073823.